The following is an entry in ClinVar:

NM_139072.4(DNER):c.117C>T (p.Ala39=)

Gene: DNER (delta/notch like EGF repeat containing; minus strand). Cytogenetic location: 2q36.3.
Variant type: single nucleotide variant.
Coding change: c.117C>T on transcript NM_139072.4 (MANE Select); coding-DNA position 117, C replaced by T.
Protein change: p.Ala39=; no amino-acid change (alanine 39 retained).
Molecular consequence: synonymous variant.
Genome position (GRCh38, 1-based): chr2:229,714,307, G>A on the plus strand (C>T on the coding strand, the complement: DNER is on the minus strand). VCF-style: chr2-229714307-G-A. GRCh37 (hg19) VCF-style: chr2-230579023-G-A.
Identifiers: ClinVar variation 4534932 (VCV004534932.6).

ClinVar aggregate classification (germline): Likely benign (1 of 4 stars; one submission).

gnomAD v4.1: 18 of 1,300,060 alleles (0.0014%); highest among the groups gnomAD compares: East Asian, 0.029%; no homozygotes.

Submission:

CeGaT Center for Human Genetics Tuebingen
Classification: Likely benign. Last evaluated: 2025-10-01. Review status: criteria provided, single submitter. Criteria: CeGaT Center For Human Genetics Tuebingen Variant Classification Criteria Version 2. Collection method: clinical testing. Allele origin: germline. Affected: yes. Observed: 1 variant allele.
Comment: DNER: BP4, BP7